The following is an entry in ClinVar:

ClinVar aggregate classification (germline): Uncertain significance. Review status: criteria provided, multiple submitters, no conflicts (2 of 4 stars). 2 submissions from 2 submitters: Uncertain significance (2). Last evaluated 2022-04-21.

Conditions:
Inborn genetic diseases. Identifiers: MedGen C0950123, MeSH D030342.

Allele frequency attached by ClinVar (database versions not stated): gnomAD 0.00001; ExAC 0.00002; TOPMed 0.00001.

Submissions (2):

Ambry Genetics
Classification: Uncertain significance for Inborn genetic diseases. Last evaluated: 2022-04-21. Review status: criteria provided, single submitter. Criteria: Ambry Variant Classification Scheme 2023. Collection method: clinical testing. Allele origin: germline.

Labcorp Genetics (formerly Invitae), Labcorp
Classification: Uncertain significance. Last evaluated: 2021-08-14. Review status: criteria provided, single submitter. Criteria: Invitae Variant Classification Sherloc (09022015). Collection method: clinical testing. Allele origin: germline.
Comment: This sequence change replaces glycine with serine at codon 157 of the CDT1 protein (p.Gly157Ser). The glycine residue is weakly conserved and there is a small physicochemical difference between glycine and serine. This variant is present in population databases (rs748806867, ExAC 0.004%). This variant has not been reported in the literature in individuals affected with CDT1-related conditions. Algorithms developed to predict the effect of missense changes on protein structure and function (SIFT, PolyPhen-2, Align-GVGD) all suggest that this variant is likely to be tolerated. In summary, the available evidence is currently insufficient to determine the role of this variant in disease. Therefore, it has been classified as a Variant of Uncertain Significance.

NM_030928.4(CDT1):c.469G>A (p.Gly157Ser)

Gene: CDT1 (chromatin licensing and DNA replication factor 1; plus strand). Cytogenetic location: 16q24.3.
Variant type: single nucleotide variant.
Coding change: c.469G>A on transcript NM_030928.4 (MANE Select); coding-DNA position 469, G replaced by A.
Protein change: p.Gly157Ser; replaces glycine 157 with serine.
Molecular consequence: missense variant.
Genome position (GRCh38, 1-based): chr16:88,804,879, G>A. VCF-style: chr16-88804879-G-A. GRCh37 (hg19) VCF-style: chr16-88871287-G-A.
Other names: c.469G>A (NM_030928.3); short protein forms G157S.
Identifiers: ClinVar variation 1369563 (VCV001369563.6), dbSNP rs748806867, ClinGen allele CA8233646.